The following is an entry in ClinVar:

ClinVar aggregate classification (germline): Uncertain significance (1 of 4 stars; one submission).

Conditions:
Cardiovascular phenotype. Identifiers: MedGen CN230736.

Submission:

Ambry Genetics
Classification: Uncertain significance for Cardiovascular phenotype. Last evaluated: 2025-09-18. Review status: criteria provided, single submitter. Criteria: Ambry Variant Classification Scheme 2023. Collection method: clinical testing. Allele origin: germline.
Comment: The p.P867L variant (also known as c.2600C>T), located in coding exon 19 of the RASA1 gene, results from a C to T substitution at nucleotide position 2600. The proline at codon 867 is replaced by leucine, an amino acid with similar properties. This amino acid position is conserved. In addition, this alteration is predicted to be deleterious by in silico analysis. Based on the available evidence, the clinical significance of this variant remains unclear.

NM_002890.3(RASA1):c.2600C>T (p.Pro867Leu)

Genes: CCNH (cyclin H; minus strand), RASA1 (RAS p21 protein activator 1; plus strand). Cytogenetic location: 5q14.3.
Variant type: single nucleotide variant.
Coding change: c.2600C>T on transcript NM_002890.3 (MANE Select); coding-DNA position 2600, C replaced by T.
Protein change: p.Pro867Leu; replaces proline 867 with leucine.
Molecular consequence: missense variant. On other transcripts: intron variant (1).
Genome position (GRCh38, 1-based): chr5:87,379,847, C>T. VCF-style: chr5-87379847-C-T. GRCh37 (hg19) VCF-style: chr5-86675664-C-T.
Other names: c.2069C>T, p.Pro690Leu (NM_022650.3); c.933+15197G>A (NM_001364075.2); short protein forms P690L, P867L.
Identifiers: ClinVar variation 4614806 (VCV004614806.1).